The following is an entry in ClinVar:

NM_000891.3(KCNJ2):c.328C>T (p.His110Tyr)

Gene: KCNJ2 (potassium inwardly rectifying channel subfamily J member 2; plus strand). Cytogenetic location: 17q24.3.
Variant type: single nucleotide variant.
Coding change: c.328C>T on transcript NM_000891.3 (MANE Select); coding-DNA position 328, C replaced by T.
Protein change: p.His110Tyr; replaces histidine 110 with tyrosine.
Molecular consequence: missense variant.
Genome position (GRCh38, 1-based): chr17:70,175,367, C>T. VCF-style: chr17-70175367-C-T. GRCh37 (hg19) VCF-style: chr17-68171508-C-T.
Other names: p.H110Y:CAT>TAT; short protein forms H110Y.
Identifiers: ClinVar variation 190811 (VCV000190811.2), dbSNP rs786205815, ClinGen allele CA302032.

ClinVar aggregate classification (germline): Uncertain significance (1 of 4 stars; one submission).

Submission:

GeneDx
Classification: Uncertain significance. Last evaluated: 2013-07-29. Review status: criteria provided, single submitter. Criteria: GeneDx Variant Classification (06012015). Collection method: clinical testing. Allele origin: germline. Affected: yes.
Comment: p.His110Tyr (CAT>TAT): c.328 C>T in exon 2 of the KCNJ2 gene (NM_000891.2). The His110Tyr variant in the KCNJ2 gene has not been reported as a disease-causing mutation or as a benign polymorphism to our knowledge. His110Tyr was not observed in approximately 6500 individuals of European and African American ancestry in the NHLBI Exome Sequencing Project, indicating it is not a common benign variant in these populations. His110Tyr results in a non-conservative amino acid substitution of a positively charged Histidine with a neutral Tyrosine at a position that is fairly well conserved across species. In silico algorithms are not consistent in their predictions but at least two concur that His110Tyr is damaging to the protein structure/function. Mutations in nearby residues (Cys101Arg, Val123Gly) have been reported in association with ventricular tachycardia and ATS, respectively, supporting the functional importance of this region of the protein.With the clinical and molecular information available at this time, we cannot definitively determine if His110Tyr is a disease-causing mutation or a rare benign variant. The variant is found in LQT panel(s).